The following is an entry in ClinVar:

NM_000497.4(CYP11B1):c.1268A>G (p.Tyr423Cys)

Genes: CYP11B1 (cytochrome P450 family 11 subfamily B member 1; minus strand), LOC106799833 (CYP11B1 recombination region; plus strand). Cytogenetic location: 8q24.3.
Variant type: single nucleotide variant.
Coding change: c.1268A>G on transcript NM_000497.4 (MANE Select); coding-DNA position 1268, A replaced by G.
Protein change: p.Tyr423Cys; replaces tyrosine 423 with cysteine.
Molecular consequence: missense variant. On other transcripts: intron variant (1).
Genome position (GRCh38, 1-based): chr8:142,875,087, T>C on the plus strand (A>G on the coding strand, the complement: CYP11B1 is on the minus strand). VCF-style: chr8-142875087-T-C. GRCh37 (hg19) VCF-style: chr8-143956503-T-C.
Other names: c.1200+147A>G (NM_001026213.1); short protein forms Y423C.
Identifiers: ClinVar variation 2820739 (VCV002820739.3), dbSNP rs2488675551, ClinGen allele CA372391751.

ClinVar aggregate classification (germline): Uncertain significance (1 of 4 stars; one submission).

Submission:

Labcorp Genetics (formerly Invitae), Labcorp
Classification: Uncertain significance. Last evaluated: 2023-05-10. Review status: criteria provided, single submitter. Criteria: Invitae Variant Classification Sherloc (09022015). Collection method: clinical testing. Allele origin: germline.
Comment: This sequence change replaces tyrosine, which is neutral and polar, with cysteine, which is neutral and slightly polar, at codon 423 of the CYP11B1 protein (p.Tyr423Cys). This variant is not present in population databases (gnomAD no frequency). This variant has not been reported in the literature in individuals affected with CYP11B1-related conditions. Advanced modeling of protein sequence and biophysical properties (such as structural, functional, and spatial information, amino acid conservation, physicochemical variation, residue mobility, and thermodynamic stability) has been performed at Invitae for this missense variant, however the output from this modeling did not meet the statistical confidence thresholds required to predict the impact of this variant on CYP11B1 protein function. In summary, the available evidence is currently insufficient to determine the role of this variant in disease. Therefore, it has been classified as a Variant of Uncertain Significance.